The following is an entry in ClinVar:

NM_000171.4(GLRA1):c.1059+1G>A

Gene: GLRA1 (glycine receptor alpha 1; minus strand). Cytogenetic location: 5q33.1.
Variant type: single nucleotide variant.
Coding change: c.1059+1G>A on transcript NM_000171.4 (MANE Select); the canonical splice donor site of the intron after coding-DNA position 1059, G replaced by A.
Molecular consequence: splice donor variant.
Genome position (GRCh38, 1-based): chr5:151,828,920, C>T on the plus strand (G>A on the coding strand, the complement: GLRA1 is on the minus strand). VCF-style: chr5-151828920-C-T. GRCh37 (hg19) VCF-style: chr5-151208481-C-T.
Other names: c.810+1G>A (NM_001292000.2); c.1059+1G>A (NM_001146040.2).
Identifiers: ClinVar variation 2800421 (VCV002800421.5), dbSNP rs2479902942, ClinGen allele CA361851195.

ClinVar aggregate classification (germline): Pathogenic/Likely pathogenic. Review status: criteria provided, multiple submitters, no conflicts (2 of 4 stars). 2 submissions from 2 submitters: Pathogenic (1); Likely pathogenic (1). Last evaluated 2026-06-01.

Conditions:
Hereditary hyperekplexia. Identifiers: Orphanet 3197, MedGen C4084968, MONDO:0021022.

Allele frequency attached by ClinVar (database versions not stated): gnomAD exomes below 0.00001.
gnomAD v4.1: 1 of 1,613,918 alleles (0.000062%); highest among the groups gnomAD compares: African/African-American, 0.0013%; no homozygotes.

Submissions (2):

CeGaT Center for Human Genetics Tuebingen
Classification: Likely pathogenic. Last evaluated: 2026-06-01. Review status: criteria provided, single submitter. Criteria: CeGaT Center For Human Genetics Tuebingen Variant Classification Criteria Version 2. Collection method: clinical testing. Allele origin: germline. Affected: yes. Observed: 1 variant allele.
Comment: GLRA1: PVS1:Strong, PM2

Labcorp Genetics (formerly Invitae), Labcorp
Classification: Pathogenic for Hereditary hyperekplexia. Last evaluated: 2023-06-21. Review status: criteria provided, single submitter. Criteria: Invitae Variant Classification Sherloc (09022015). Collection method: clinical testing. Allele origin: germline.
Comment: This sequence change affects a donor splice site in intron 8 of the GLRA1 gene. While this variant is not anticipated to result in nonsense mediated decay, it likely alters RNA splicing and results in a disrupted protein product. This variant is not present in population databases (gnomAD no frequency). This variant has not been reported in the literature in individuals affected with GLRA1-related conditions. Variants that disrupt the consensus splice site are a relatively common cause of aberrant splicing (PMID: 17576681, 9536098). Algorithms developed to predict the effect of sequence changes on RNA splicing suggest that this variant may disrupt the consensus splice site. This variant disrupts a region of the GLRA1 protein in which other variant(s) (p.Arg420His) have been determined to be pathogenic (PMID: 10514101, 12169101, 19732286, 20631190, 25036534; Invitae). This suggests that this is a clinically significant region of the protein, and that variants that disrupt it are likely to be disease-causing. For these reasons, this variant has been classified as Pathogenic.

Literature cited by the submitters: PubMed 17576681 (cited by Labcorp Genetics (formerly Invitae), Labcorp); PubMed 9536098 (cited by Labcorp Genetics (formerly Invitae), Labcorp); PubMed 10514101 (cited by Labcorp Genetics (formerly Invitae), Labcorp); PubMed 12169101 (cited by Labcorp Genetics (formerly Invitae), Labcorp); PubMed 19732286 (cited by Labcorp Genetics (formerly Invitae), Labcorp); PubMed 20631190 (cited by Labcorp Genetics (formerly Invitae), Labcorp); PubMed 25036534 (cited by Labcorp Genetics (formerly Invitae), Labcorp).